The following is an entry in ClinVar:

NM_014588.6(VSX1):c.709_719delinsATG (p.Leu237fs)

Gene: VSX1 (visual system homeobox 1; minus strand). Cytogenetic location: 20p11.21.
Variant type: Indel.
Coding change: c.709_719delinsATG on transcript NM_014588.6 (MANE Select); coding-DNA positions 709 to 719, CTGTACGGGGC replaced by ATG.
Protein change: p.Leu237fs; shifts the reading frame from leucine 237.
Molecular consequence: frameshift variant. On other transcripts: non-coding transcript variant (4), intron variant (1).
Genome position (GRCh38, 1-based): chr20:25,077,774-25,077,784, GCCCCGTACAG replaced by CAT on the plus strand (CTGTACGGGGC replaced by ATG on the coding strand, the reverse complement: VSX1 is on the minus strand). VCF-style: chr20-25077774-GCCCCGTACAG-CAT. GRCh37 (hg19) VCF-style: chr20-25058410-GCCCCGTACAG-CAT.
Other names: c.709_719delinsATG, p.Leu237fs (NM_001256272.2); c.16_26delinsATG, p.Leu6fs (NM_001378633.1); c.627+1045_627+1055delinsATG (NM_001256271.2); short protein forms L237fs, L6fs.
Identifiers: ClinVar variation 3378337 (VCV003378337.2).

ClinVar aggregate classification (germline): Uncertain significance (1 of 4 stars; one submission).

Submission:

GeneDx
Classification: Uncertain significance. Last evaluated: 2025-01-22. Review status: criteria provided, single submitter. Criteria: GeneDx Variant Classification Process June 2021. Collection method: clinical testing. Allele origin: germline. Affected: yes.
Comment: Frameshift variant predicted to result in abnormal protein length as the last 129 amino acids are replaced with 33 different amino acids in a gene for which loss-of-function is not an established mechanism of disease; Not observed at significant frequency in large population cohorts (gnomAD); Has not been previously published as pathogenic or benign to our knowledge